The following is an entry in ClinVar:

ClinVar aggregate classification (germline): Uncertain significance (1 of 4 stars; one submission).

Submission:

CeGaT Center for Human Genetics Tuebingen
Classification: Uncertain significance. Last evaluated: 2023-08-01. Review status: criteria provided, single submitter. Criteria: CeGaT Center For Human Genetics Tuebingen Variant Classification Criteria Version 2. Collection method: clinical testing. Allele origin: germline. Affected: yes. Observed: 1 variant allele.
Comment: GNPTAB: PM2, PM3:Supporting, PM5:Supporting

NM_024312.5(GNPTAB):c.1547A>T (p.Asp516Val)

Gene: GNPTAB (N-acetylglucosamine-1-phosphate transferase subunits alpha and beta; minus strand). Cytogenetic location: 12q23.2.
Variant type: single nucleotide variant.
Coding change: c.1547A>T on transcript NM_024312.5 (MANE Select); coding-DNA position 1547, A replaced by T.
Protein change: p.Asp516Val; replaces aspartic acid 516 with valine.
Molecular consequence: missense variant.
Genome position (GRCh38, 1-based): chr12:101,766,156, T>A on the plus strand (A>T on the coding strand, the complement: GNPTAB is on the minus strand). VCF-style: chr12-101766156-T-A. GRCh37 (hg19) VCF-style: chr12-102159934-T-A.
Other names: short protein forms D516V.
Identifiers: ClinVar variation 2578690 (VCV002578690.25), dbSNP rs2547958651, ClinGen allele CA386301167.